The following is an entry in ClinVar:

NM_024640.4(YRDC):c.364C>T (p.Leu122Phe)

Genes: C1orf122 (chromosome 1 open reading frame 122; plus strand), YRDC (yrdC N6-threonylcarbamoyltransferase domain containing; minus strand). Cytogenetic location: 1p34.3.
Variant type: single nucleotide variant.
Coding change: c.364C>T on transcript NM_024640.4 (MANE Select); coding-DNA position 364, C replaced by T.
Protein change: p.Leu122Phe; replaces leucine 122 with phenylalanine.
Molecular consequence: missense variant. On other transcripts: 5 prime UTR variant (2).
Genome position (GRCh38, 1-based): chr1:37,807,817, G>A on the plus strand (C>T on the coding strand, the complement: YRDC is on the minus strand). VCF-style: chr1-37807817-G-A. GRCh37 (hg19) VCF-style: chr1-38273489-G-A.
Other names: c.-644G>A (NM_001142726.2); c.-588G>A (NM_198446.3); short protein forms L122F.
Identifiers: ClinVar variation 1975884 (VCV001975884.5), dbSNP rs74441145, ClinGen allele CA774862.

ClinVar aggregate classification (germline): Uncertain significance (1 of 4 stars; one submission).

Allele frequency attached by ClinVar (database versions not stated): 1000 Genomes Project 0.00020; 1000 Genomes Project 30x 0.00031.
gnomAD v4.1: 114 of 1,512,028 alleles (0.0075%); highest among the groups gnomAD compares: South Asian, 0.12%; 1 homozygote.

Submission:

Labcorp Genetics (formerly Invitae), Labcorp
Classification: Uncertain significance. Last evaluated: 2022-10-10. Review status: criteria provided, single submitter. Criteria: Invitae Variant Classification Sherloc (09022015). Collection method: clinical testing. Allele origin: germline.
Comment: In summary, the available evidence is currently insufficient to determine the role of this variant in disease. Therefore, it has been classified as a Variant of Uncertain Significance. Algorithms developed to predict the effect of missense changes on protein structure and function are either unavailable or do not agree on the potential impact of this missense change (SIFT: "Tolerated"; PolyPhen-2: "Possibly Damaging"; Align-GVGD: "Class C0"). This variant has not been reported in the literature in individuals affected with YRDC-related conditions. This variant is present in population databases (rs74441145, gnomAD 0.08%). This sequence change replaces leucine, which is neutral and non-polar, with phenylalanine, which is neutral and non-polar, at codon 122 of the YRDC protein (p.Leu122Phe).